The following is an entry in ClinVar:

ClinVar aggregate classification (germline): Likely benign (0 of 4 stars; one submission).

Conditions:
TAF15-related disorder. Also called: TAF15-related condition.

Submission:

PreventionGenetics, part of Exact Sciences
Classification: Likely benign for TAF15-related condition. Last evaluated: 2024-07-03. Review status: no assertion criteria provided. Collection method: clinical testing. Allele origin: germline.
Comment: This variant is classified as likely benign based on ACMG/AMP sequence variant interpretation guidelines (Richards et al. 2015 PMID: 25741868, with internal and published modifications).

NM_139215.3(TAF15):c.1095C>T (p.Cys365=)

Gene: TAF15 (TATA-box binding protein associated factor 15; plus strand). Cytogenetic location: 17q12.
Variant type: single nucleotide variant.
Coding change: c.1095C>T on transcript NM_139215.3 (MANE Select); coding-DNA position 1095, C replaced by T.
Protein change: p.Cys365=; no amino-acid change (cysteine 365 retained).
Molecular consequence: synonymous variant.
Genome position (GRCh38, 1-based): chr17:35,844,286, C>T. VCF-style: chr17-35844286-C-T. GRCh37 (hg19) VCF-style: chr17-34171290-C-T.
Other names: c.1086C>T, p.Cys362= (NM_003487.4).
Identifiers: ClinVar variation 3351357 (VCV003351357.1).